The following is an entry in ClinVar:

NM_013391.3(DMGDH):c.1777T>C (p.Leu593=)

Gene: DMGDH (dimethylglycine dehydrogenase; minus strand). Cytogenetic location: 5q14.1.
Variant type: single nucleotide variant.
Coding change: c.1777T>C on transcript NM_013391.3 (MANE Select); coding-DNA position 1777, T replaced by C.
Protein change: p.Leu593=; no amino-acid change (leucine 593 retained).
Molecular consequence: synonymous variant. On other transcripts: non-coding transcript variant (2).
Genome position (GRCh38, 1-based): chr5:79,029,941, A>G on the plus strand (T>C on the coding strand, the complement: DMGDH is on the minus strand). VCF-style: chr5-79029941-A-G. GRCh37 (hg19) VCF-style: chr5-78325764-A-G.
Identifiers: ClinVar variation 507800 (VCV000507800.1), dbSNP rs139749124, ClinGen allele CA3318629.

ClinVar aggregate classification (germline): Likely benign (1 of 4 stars; one submission).

Allele frequency attached by ClinVar (database versions not stated): gnomAD exomes below 0.00001 and 0.00002; ExAC 0.00002; gnomAD 0.00008 and 0.00009; TOPMed 0.00009; ESP Exome Variant Server 0.00015.

Submission:

GeneDx
Classification: Likely benign. Last evaluated: 2017-03-08. Review status: criteria provided, single submitter. Criteria: GeneDx Variant Classification (06012015). Collection method: clinical testing. Allele origin: germline. Affected: yes.
Comment: This variant is considered likely benign or benign based on one or more of the following criteria: it is a conservative change, it occurs at a poorly conserved position in the protein, it is predicted to be benign by multiple in silico algorithms, and/or has population frequency not consistent with disease.